The following is an entry in ClinVar:

NM_015443.4(KANSL1):c.3302dup (p.Thr1103fs)

Gene: KANSL1 (KAT8 regulatory NSL complex subunit 1). Cytogenetic location: 17q21.31.
Variant type: Duplication.
Coding change: c.3302dup on transcript NM_015443.4 (MANE Select); coding-DNA position 3302, one base duplicated.
Protein change: p.Thr1103fs; shifts the reading frame from threonine 1103.
Molecular consequence: frameshift variant.
Genome position: GRCh38 VCF-style: chr17-46031491-G-GC. GRCh37 (hg19) VCF-style: chr17-44108857-G-GC.
Other names: c.3299dup, p.Thr1102fs (NM_001193465.2, NM_001405856.1, NM_001405857.1 and 1 more transcripts); c.3302dup, p.Thr1103fs (NM_001193466.2, NM_001379198.1, NM_001405854.1 and 1 more transcripts); c.3200dup, p.Thr1069fs (NM_001405859.1, NM_001405860.1); c.3197dup, p.Thr1068fs (NM_001405861.1); c.3170dup, p.Thr1059fs (NM_001405872.1, NM_001405873.1, NM_001405874.1); c.3113dup, p.Thr1040fs (NM_001405875.1, NM_001405876.1, NM_001405877.1 and 1 more transcripts); c.3110dup, p.Thr1039fs (NM_001405879.1, NM_001405880.1); c.3065dup, p.Thr1024fs (NM_001405881.1); and 4 more; short protein forms T1039fs, T617fs, T680fs, T1059fs, T1068fs, T618fs, T1024fs, T1102fs.
Identifiers: ClinVar variation 2824783 (VCV002824783.3), dbSNP rs2510348529, ClinGen allele CA2739267586.

ClinVar aggregate classification (germline): Uncertain significance (1 of 4 stars; one submission).

Conditions:
Koolen-de Vries syndrome (KDVS). Identifiers: Orphanet 96169, MedGen C1864871, MONDO:0012496, OMIM 610443.

Submission:

Labcorp Genetics (formerly Invitae), Labcorp
Classification: Uncertain significance for Koolen-de Vries syndrome. Last evaluated: 2022-12-29. Review status: criteria provided, single submitter. Criteria: Invitae Variant Classification Sherloc (09022015). Collection method: clinical testing. Allele origin: germline.
Comment: In summary, the available evidence is currently insufficient to determine the role of this variant in disease. Therefore, it has been classified as a Variant of Uncertain Significance. Experimental studies and prediction algorithms are not available or were not evaluated, and the functional significance of this variant is currently unknown. This variant has not been reported in the literature in individuals affected with KANSL1-related conditions. This variant is not present in population databases (gnomAD no frequency). This sequence change results in a frameshift in the KANSL1 gene (p.Thr1103Aspfs*15). While this is not anticipated to result in nonsense mediated decay, it is expected to disrupt the last 3 amino acid(s) of the KANSL1 protein and extend the protein by 11 additional amino acid residues.